The following is an entry in ClinVar:

NM_000135.4(FANCA):c.2834C>T (p.Ala945Val)

Gene: FANCA (FA complementation group A; minus strand). Cytogenetic location: 16q24.3.
Variant type: single nucleotide variant.
Coding change: c.2834C>T on transcript NM_000135.4 (MANE Select); coding-DNA position 2834, C replaced by T.
Protein change: p.Ala945Val; replaces alanine 945 with valine.
Molecular consequence: missense variant.
Genome position (GRCh38, 1-based): chr16:89,761,967, G>A on the plus strand (C>T on the coding strand, the complement: FANCA is on the minus strand). VCF-style: chr16-89761967-G-A. GRCh37 (hg19) VCF-style: chr16-89828375-G-A.
Other names: c.2834C>T, p.Ala945Val (NM_001286167.3); c.2834C>T (NM_000135.2); short protein forms A945V.
Identifiers: ClinVar variation 1396865 (VCV001396865.7), dbSNP rs1221107443, ClinGen allele CA397433302.

ClinVar aggregate classification (germline): Uncertain significance. Review status: criteria provided, multiple submitters, no conflicts (2 of 4 stars). 3 submissions from 3 submitters: Uncertain significance (3). Last evaluated 2025-02-04.

Conditions:
Fanconi anemia (FA). Also called: Fanconi's anemia. Identifiers: Orphanet 84, MedGen C0015625, MeSH D005199, MONDO:0019391.
Inborn genetic diseases. Identifiers: MedGen C0950123, MeSH D030342.
Fanconi anemia complementation group A (FANCA). Also called: FANCA-Related Fanconi Anemia; Fanconi anemia, group A. Identifiers: Orphanet 84, MedGen C3469521, MONDO:0009215, OMIM 227650.

Allele frequency attached by ClinVar (database versions not stated): gnomAD exomes below 0.00001.
gnomAD v4.1: 6 of 1,613,832 alleles (0.00037%); highest among the groups gnomAD compares: Admixed American, 0.0017%; no homozygotes.

Submissions (3):

Ambry Genetics
Classification: Uncertain significance for Inborn genetic diseases. Last evaluated: 2025-02-04. Review status: criteria provided, single submitter. Criteria: Ambry Variant Classification Scheme 2023. Collection method: clinical testing. Allele origin: germline.
Comment: The p.A945V variant (also known as c.2834C>T), located in coding exon 29 of the FANCA gene, results from a C to T substitution at nucleotide position 2834. The alanine at codon 945 is replaced by valine, an amino acid with similar properties. This amino acid position is conserved. In addition, this alteration is predicted to be tolerated by in silico analysis. Based on the available evidence, the clinical significance of this variant remains unclear.

Fulgent Genetics
Classification: Uncertain significance for Fanconi anemia complementation group A. Last evaluated: 2024-05-08. Review status: criteria provided, single submitter. Criteria: ACMG Guidelines, 2015. Collection method: clinical testing. Allele origin: germline.

Labcorp Genetics (formerly Invitae), Labcorp
Classification: Uncertain significance for Fanconi anemia. Last evaluated: 2021-08-28. Review status: criteria provided, single submitter. Criteria: Invitae Variant Classification Sherloc (09022015). Collection method: clinical testing. Allele origin: germline.
Comment: This sequence change replaces alanine with valine at codon 945 of the FANCA protein (p.Ala945Val). The alanine residue is weakly conserved and there is a small physicochemical difference between alanine and valine. This variant is not present in population databases (ExAC no frequency). This variant has not been reported in the literature in individuals affected with FANCA-related conditions. Algorithms developed to predict the effect of missense changes on protein structure and function output the following: SIFT: "Tolerated"; PolyPhen-2: "Possibly Damaging"; Align-GVGD: "Class C0". The valine amino acid residue is found in multiple mammalian species, which suggests that this missense change does not adversely affect protein function. In summary, the available evidence is currently insufficient to determine the role of this variant in disease. Therefore, it has been classified as a Variant of Uncertain Significance.